The following is an entry in ClinVar:

NM_007294.4(BRCA1):c.4724del (p.Pro1575fs)

Gene: BRCA1 (BRCA1 DNA repair associated; minus strand). Cytogenetic location: 17q21.31.
Variant type: Deletion.
Coding change: c.4724del on transcript NM_007294.4 (MANE Select); coding-DNA position 4724, one base deleted (C; older notation c.4724delC).
Protein change: p.Pro1575fs; shifts the reading frame from proline 1575.
Molecular consequence: frameshift variant. On other transcripts: non-coding transcript variant (1).
Genome position (GRCh38, 1-based): chr17:43,071,190, G deleted on the plus strand (C on the coding strand, the reverse complement: BRCA1 is on the minus strand); the first of 3 consecutive G bases (chr17:43,071,190-43,071,192); deleting any one gives the same sequence. VCF-style (leftmost placement, unchanged base first): chr17-43071189-AG-A. GRCh37 (hg19) VCF-style: chr17-41223206-AG-A.
Other names: 4843delC; c.4724delC (NM_007294.3); c.1476delC, p.Pro493Leufs (NM_001407972.1); c.1413delC, p.Pro472Leufs (NM_001407973.1, NM_001407974.1, NM_001407975.1 and 3 more transcripts); c.1410delC, p.Pro471Leufs (NM_001407979.1, NM_001407980.1, NM_001407981.1 and 12 more transcripts); c.1407delC, p.Pro470Leufs (NM_001408392.1, NM_001408396.1, NM_001408397.1 and 8 more transcripts); c.1404delC, p.Pro469Leufs (NM_001408406.1, NM_001408407.1, NM_001408408.1); c.1401delC, p.Pro468Leufs (NM_001408409.1); and 75 more; short protein forms P1596fs, P471fs, P1528fs, P1575fs.
Identifiers: ClinVar variation 55271 (VCV000055271.19), dbSNP rs397509191, ClinGen allele CA002993.

ClinVar aggregate classification (germline): Pathogenic. Review status: reviewed by expert panel (3 of 4 stars). 6 submissions from 6 submitters: Pathogenic (1). 5 of the submissions do not count toward it. Last evaluated 2016-10-18.

Conditions:
Hereditary cancer-predisposing syndrome. Also called: Hereditary Cancer Syndrome; Hereditary neoplastic syndrome; Neoplastic Syndromes, Hereditary; Tumor predisposition. Identifiers: Orphanet 140162, MedGen C0027672, MeSH D009386, MONDO:0015356.
Hereditary breast ovarian cancer syndrome. Also called: BRCA1- and BRCA2-Associated Hereditary Breast and Ovarian Cancer; Hereditary breast and ovarian cancer syndrome; Hereditary breast and ovarian cancer syndrome (HBOC); Breast and ovarian cancer; Hereditary breast and/or ovarian cancer syndrome; Hereditary breast and ovarian cancer. Identifiers: Orphanet 145, MedGen C0677776, MeSH D061325, MONDO:0003582. Disease mechanism: loss of function.
Breast-ovarian cancer, familial, susceptibility to, 1 (BROVCA1). Also called: BRCA1 Hereditary Breast and Ovarian Cancer; OVARIAN CANCER, SUSCEPTIBILITY TO. Identifiers: Orphanet 145, MedGen C2676676, MONDO:0011450, OMIM 604370. Disease mechanism: loss of function.

Submissions (6):

Evidence-based Network for the Interpretation of Germline Mutant Alleles (ENIGMA)
Classification: Pathogenic for Breast-ovarian cancer, familial, susceptibility to, 1. Last evaluated: 2016-10-18. Review status: reviewed by expert panel. Criteria: ENIGMA BRCA1/2 Classification Criteria (2015). Collection method: curation. Allele origin: germline.
Comment: Variant allele predicted to encode a truncated non-functional protein.

Labcorp Genetics (formerly Invitae), Labcorp
Classification: Pathogenic for Hereditary breast ovarian cancer syndrome. Last evaluated: 2025-11-05. Review status: criteria provided, single submitter. Criteria: Invitae Variant Classification Sherloc (09022015). Collection method: clinical testing. Allele origin: germline. Not counted in ClinVar's aggregate classification.
Comment: This sequence change creates a premature translational stop signal (p.Pro1575Leufs*26) in the BRCA1 gene. It is expected to result in an absent or disrupted protein product. Loss-of-function variants in BRCA1 are known to be pathogenic (PMID: 20104584). This variant is not present in population databases (gnomAD no frequency). This premature translational stop signal has been observed in individual(s) with a personal and/or family history of breast and/or ovarian cancer (PMID: 16244786, 29446198). This variant is also known as 4843delC. ClinVar contains an entry for this variant (Variation ID: 55271). For these reasons, this variant has been classified as Pathogenic.

Baylor Genetics
Classification: Pathogenic for Breast-ovarian cancer, familial, susceptibility to, 1. Last evaluated: 2023-01-18. Review status: criteria provided, single submitter. Criteria: ACMG Guidelines, 2015. Collection method: clinical testing. Allele origin: unknown. Not counted in ClinVar's aggregate classification.

Ambry Genetics
Classification: Pathogenic for Hereditary cancer-predisposing syndrome. Last evaluated: 2020-08-11. Review status: criteria provided, single submitter. Criteria: Ambry Variant Classification Scheme 2023. Collection method: clinical testing. Allele origin: germline. Not counted in ClinVar's aggregate classification.
Comment: The c.4724delC variant, located in coding exon 14 of the BRCA1 gene, results from a deletion of one nucleotide at nucleotide position 4724, causing a translational frameshift with a predicted alternate stop codon (p.P1575Lfs*26). This mutation has been identified in multiple individuals from Sicilian families with breast and/or ovarian cancer (Cal&ograve; V et al. Breast Cancer Res. Treat., 2006 Mar;96:97-100; Russo A et al. Breast Cancer Res. Treat., 2007 Nov;105:267-76). In addition to the clinical data presented in the literature, this alteration is expected to result in loss of function by premature protein truncation or nonsense-mediated mRNA decay. As such, this alteration is interpreted as a disease-causing mutation.

Quest Diagnostics Nichols Institute San Juan Capistrano
Classification: Pathogenic. Last evaluated: 2018-05-18. Review status: criteria provided, single submitter. Criteria: Quest Diagnostics criteria. Collection method: clinical testing. Allele origin: germline. Not counted in ClinVar's aggregate classification.

Consortium of Investigators of Modifiers of BRCA1/2 (CIMBA), c/o University of Cambridge
Classification: Pathogenic for Breast-ovarian cancer, familial, susceptibility to, 1. Last evaluated: 2015-10-02. Review status: criteria provided, single submitter. Criteria: CIMBA Mutation Classification guidelines May 2016. Collection method: clinical testing. Allele origin: germline. Not counted in ClinVar's aggregate classification.

Literature cited by the submitters: PubMed 20104584 (cited by Labcorp Genetics (formerly Invitae), Labcorp); PubMed 16244786 (cited by Labcorp Genetics (formerly Invitae), Labcorp and Ambry Genetics); PubMed 29446198 (cited by Labcorp Genetics (formerly Invitae), Labcorp); PubMed 17221156 (cited by Ambry Genetics); PubMed 23199084 (cited by Ambry Genetics); PubMed 24065114 (cited by Ambry Genetics).